The following is an entry in ClinVar:

ClinVar aggregate classification (germline): Uncertain significance (1 of 4 stars; one submission).

Conditions:
Capillary malformation-arteriovenous malformation syndrome. Also called: Capillary malformation-arteriovenous malformation. Identifiers: Orphanet 137667, MedGen C1842180, MONDO:0012016.

Submission:

Labcorp Genetics (formerly Invitae), Labcorp
Classification: Uncertain significance for Capillary malformation-arteriovenous malformation syndrome. Last evaluated: 2025-07-14. Review status: criteria provided, single submitter. Criteria: Invitae Variant Classification Sherloc (09022015). Collection method: clinical testing. Allele origin: germline.
Comment: This sequence change affects codon 870 of the RASA1 mRNA. It is a 'silent' change, meaning that it does not change the encoded amino acid sequence of the RASA1 protein. This variant is not present in population databases (gnomAD no frequency). This variant has not been reported in the literature in individuals affected with RASA1-related conditions. Algorithms developed to predict the effect of sequence changes on RNA splicing suggest that this variant may disrupt the consensus splice site. In summary, the available evidence is currently insufficient to determine the role of this variant in disease. Therefore, it has been classified as a Variant of Uncertain Significance.

NM_002890.3(RASA1):c.2610G>A (p.Leu870=)

Genes: CCNH (cyclin H; minus strand), RASA1 (RAS p21 protein activator 1; plus strand). Cytogenetic location: 5q14.3.
Variant type: single nucleotide variant.
Coding change: c.2610G>A on transcript NM_002890.3 (MANE Select); coding-DNA position 2610, G replaced by A.
Protein change: p.Leu870=; no amino-acid change (leucine 870 retained).
Molecular consequence: synonymous variant. On other transcripts: intron variant (1).
Genome position (GRCh38, 1-based): chr5:87,380,515, G>A. VCF-style: chr5-87380515-G-A. GRCh37 (hg19) VCF-style: chr5-86676332-G-A.
Other names: c.2079G>A, p.Leu693= (NM_022650.3); c.933+14529C>T (NM_001364075.2).
Identifiers: ClinVar variation 4767035 (VCV004767035.1).
Genomic context (GRCh38, chr5:87,380,515, plus strand): 5'-AGATCAGTGTTTTCACTTGCTTTCTGTGTTGAGATGATTGTGTTATTTTGGCAGGACATT[G>A]AGATATATTTATGGGTGTTTACAGAAATCTGTTCAGCATAAGTGGCCTACAAATACCACC-3'
Protein context (NP_002881.1, residues 860-880): FMASEILPPT[Leu870=]RYIYGCLQKS